The following is an entry in ClinVar:

ClinVar aggregate classification (germline): Conflicting classifications of pathogenicity. Review status: criteria provided, conflicting classifications (1 of 4 stars). 3 submissions from 3 submitters: Likely pathogenic (1); Uncertain significance (1). 1 of the submissions does not count toward it. Last evaluated 2026-06-29.

Conditions:
Argininosuccinate lyase deficiency. Also called: Argininosuccinic aciduria; ARGININOSUCCINIC ACID LYASE DEFICIENCY; ASL DEFICIENCY. Identifiers: Orphanet 23, MedGen C0268547, MONDO:0008815, OMIM 207900, HP:0025630.

Allele frequency attached by ClinVar (database versions not stated): gnomAD exomes 0.00001; ExAC 0.00002.
gnomAD v4.1: 7 of 1,613,878 alleles (0.00043%); highest among the groups gnomAD compares: Non-Finnish European, 0.00059%; no homozygotes.

Submissions (3):

Myriad Genetics, Inc.
Classification: Uncertain significance for Argininosuccinate lyase deficiency. Last evaluated: 2026-06-29. Review status: criteria provided, single submitter. Criteria: Myriad Autosomal Dominant, Autosomal Recessive and X-Linked Classification Criteria (2023). Collection method: clinical testing. Allele origin: unknown.
Comment: NM_001024943.1(ASL):c.133T>A(Y45N) is a missense variant classified as a variant of uncertain significance in the context of argininosuccinic aciduria. Y45N has been observed in cases with relevant disease (PMID: 21744316, 25433810, 39776112). Relevant functional assessments of this variant are not available in the literature. Y45N has been observed in referenced population frequency databases. In summary, there is insufficient evidence to classify NM_001024943.1(ASL):c.133T>A(Y45N) as pathogenic or benign. Please note: this variant was assessed in the context of healthy population screening.

Baylor Genetics
Classification: Likely pathogenic for Argininosuccinate lyase deficiency. Last evaluated: 2024-01-23. Review status: criteria provided, single submitter. Criteria: ACMG Guidelines, 2015. Collection method: clinical testing. Allele origin: unknown.

Counsyl
Classification: Uncertain significance for Argininosuccinate lyase deficiency. Last evaluated: 2017-04-05. Review status: no assertion criteria provided. Collection method: clinical testing. Allele origin: unknown. Not counted in ClinVar's aggregate classification.

Literature cited by the submitters: PubMed 21744316 (cited by Myriad Genetics, Inc.); PubMed 25433810 (cited by Myriad Genetics, Inc. and Counsyl); PubMed 39776112 (cited by Myriad Genetics, Inc.).

NM_000048.4(ASL):c.133T>A (p.Tyr45Asn)

Gene: ASL (argininosuccinate lyase; plus strand). Cytogenetic location: 7q11.21.
Variant type: single nucleotide variant.
Coding change: c.133T>A on transcript NM_000048.4 (MANE Select); coding-DNA position 133, T replaced by A.
Protein change: p.Tyr45Asn; replaces tyrosine 45 with asparagine.
Molecular consequence: missense variant.
Genome position (GRCh38, 1-based): chr7:66,081,923, T>A. VCF-style: chr7-66081923-T-A. GRCh37 (hg19) VCF-style: chr7-65546910-T-A.
Other names: c.133T>A, p.Tyr45Asn (NM_001024943.2, NM_001024944.2, NM_001024946.2); short protein forms Y45N.
Identifiers: ClinVar variation 551377 (VCV000551377.4), dbSNP rs771012029, ClinGen allele CA4276833.